The following is an entry in ClinVar:

ClinVar aggregate classification (germline): Benign. Review status: criteria provided, multiple submitters, no conflicts (2 of 4 stars). 4 submissions from 2 submitters: Benign (4). Last evaluated 2018-01-13.

Conditions:
Myhre syndrome (MYHRS). Also called: LARYNGOTRACHEAL STENOSIS, ARTHROPATHY, PROGNATHISM, AND SHORT STATURE; LAPS SYNDROME. Identifiers: Orphanet 2588, MedGen C0796081, MONDO:0007688, OMIM 139210.
Juvenile polyposis/hereditary hemorrhagic telangiectasia syndrome (JPHT). Also called: JP/HHT SYNDROME; JUVENILE POLYPOSIS WITH HEREDITARY HEMORRHAGIC TELANGIECTASIA; POLYPOSIS, GENERALIZED JUVENILE, WITH PULMONARY ARTERIOVENOUS MALFORMATION; TELANGIECTASIA, HEREDITARY HEMORRHAGIC, WITH JUVENILE POLYPOSIS COLI; Juvenile Polyposis Syndrome / Hereditary Hemorrhagic Telangiectasia (JPS/HHT). Identifiers: Orphanet 2929, MedGen C1832942, MONDO:0008278, OMIM 175050.
Generalized juvenile polyposis/juvenile polyposis coli. Also called: Juvenile polyposis coli. Identifiers: Orphanet 329971, MedGen C1868081, MONDO:0008276.

Allele frequency attached by ClinVar (database versions not stated): TOPMed 0.04244; gnomAD 0.04514 and 0.04860; 1000 Genomes Project 30x 0.05715; 1000 Genomes Project 0.05990; gnomAD exomes 0.06343.
gnomAD v4.1: 11,786 of 221,924 alleles (5.3%); highest among the groups gnomAD compares: South Asian, 13%; 400 homozygotes.

Submissions (4):

Illumina Laboratory Services, Illumina
Classification: Benign for Juvenile polyposis syndrome. Last evaluated: 2018-01-13. Review status: criteria provided, single submitter. Criteria: ICSL Variant Classification Criteria 13 December 2019. Collection method: clinical testing. Allele origin: germline.
Comment: This variant was observed in the ICSL laboratory as part of a predisposition screen in an ostensibly healthy population. It had not been previously curated by ICSL or reported in the Human Gene Mutation Database (HGMD: prior to June 1st, 2018), and was therefore a candidate for classification through an automated scoring system. Utilizing variant allele frequency, disease prevalence and penetrance estimates, and inheritance mode, an automated score was calculated to assess if this variant is too frequent to cause the disease. Based on the score and internal cut-off values, a variant classified as benign is not then subjected to further curation. The score for this variant resulted in a classification of benign for this disease.

Illumina Laboratory Services, Illumina
Classification: Benign for Juvenile polyposis/hereditary hemorrhagic telangiectasia syndrome. Last evaluated: 2018-01-13. Review status: criteria provided, single submitter. Criteria: ICSL Variant Classification Criteria 13 December 2019. Collection method: clinical testing. Allele origin: germline.
Comment: the same text as in the submission from Illumina Laboratory Services, Illumina above.

Illumina Laboratory Services, Illumina
Classification: Benign for Myhre syndrome. Last evaluated: 2018-01-13. Review status: criteria provided, single submitter. Criteria: ICSL Variant Classification Criteria 13 December 2019. Collection method: clinical testing. Allele origin: germline.
Comment: the same text as in the submission from Illumina Laboratory Services, Illumina above.

Breakthrough Genomics
Classification: Benign. Review status: criteria provided, single submitter. Criteria: ACMG Guidelines, 2015. Collection method: not provided. Allele origin: germline. Inheritance: Autosomal dominant inheritance. Affected: yes.

NM_005359.6(SMAD4):c.*6423G>C

Gene: SMAD4 (SMAD family member 4; plus strand). Cytogenetic location: 18q21.2.
Variant type: single nucleotide variant.
Coding change: c.*6423G>C on transcript NM_005359.6 (MANE Select); 6423 bases downstream of the stop codon, G replaced by C.
Molecular consequence: 3 prime UTR variant.
Genome position (GRCh38, 1-based): chr18:51,084,890, G>C. VCF-style: chr18-51084890-G-C. GRCh37 (hg19) VCF-style: chr18-48611260-G-C.
Identifiers: ClinVar variation 327217 (VCV000327217.6), dbSNP rs2282544, ClinGen allele CA10651816.